The following is an entry in ClinVar:

NM_001367624.2(ZNF469):c.5479C>G (p.Pro1827Ala)

Gene: ZNF469 (zinc finger protein 469; plus strand). Cytogenetic location: 16q24.2.
Variant type: single nucleotide variant.
Coding change: c.5479C>G on transcript NM_001367624.2 (MANE Select); coding-DNA position 5479, C replaced by G.
Protein change: p.Pro1827Ala; replaces proline 1827 with alanine.
Molecular consequence: missense variant.
Genome position (GRCh38, 1-based): chr16:88,432,949, C>G. VCF-style: chr16-88432949-C-G. GRCh37 (hg19) VCF-style: chr16-88499357-C-G.
Other names: NM_001127464.1:c.5395C>G; short protein forms P1827A.
Identifiers: ClinVar variation 3232823 (VCV003232823.2), dbSNP rs754750136, ClinGen allele CA8225083.

ClinVar aggregate classification (germline): Uncertain significance. Review status: criteria provided, multiple submitters, no conflicts (2 of 4 stars). 2 submissions from 2 submitters: Uncertain significance (2). Last evaluated 2025-08-06.

Conditions:
Cardiovascular phenotype. Identifiers: MedGen CN230736.

Allele frequency attached by ClinVar (database versions not stated): gnomAD exomes below 0.00001; ExAC 0.00006.
gnomAD v4.1: 4 of 1,550,414 alleles (0.00026%); highest among the groups gnomAD compares: South Asian, 0.0024%; no homozygotes.

Submissions (2):

Labcorp Genetics (formerly Invitae), Labcorp
Classification: Uncertain significance. Last evaluated: 2025-08-06. Review status: criteria provided, single submitter. Criteria: Invitae Variant Classification Sherloc (09022015). Collection method: clinical testing. Allele origin: germline.
Comment: This sequence change replaces proline, which is neutral and non-polar, with alanine, which is neutral and non-polar, at codon 1799 of the ZNF469 protein (p.Pro1799Ala). This variant is present in population databases (rs754750136, gnomAD 0.004%). This variant has not been reported in the literature in individuals affected with ZNF469-related conditions. ClinVar contains an entry for this variant (Variation ID: 3232823). An algorithm developed to predict the effect of missense changes on protein structure and function (PolyPhen-2) suggests that this variant is likely to be tolerated. In summary, the available evidence is currently insufficient to determine the role of this variant in disease. Therefore, it has been classified as a Variant of Uncertain Significance.

Ambry Genetics
Classification: Uncertain significance for Cardiovascular phenotype. Last evaluated: 2024-02-01. Review status: criteria provided, single submitter. Criteria: Ambry Variant Classification Scheme 2023. Collection method: clinical testing. Allele origin: germline.
Comment: The p.P1799A variant (also known as c.5395C>G), located in coding exon 2 of the ZNF469 gene, results from a C to G substitution at nucleotide position 5395. The proline at codon 1799 is replaced by alanine, an amino acid with highly similar properties. This amino acid position is conserved. In addition, this alteration is predicted to be tolerated by in silico analysis. Based on the available evidence, the clinical significance of this alteration remains unclear.